The following is an entry in ClinVar:

NM_003072.5(SMARCA4):c.4927G>A (p.Gly1643Ser)

Gene: SMARCA4 (SWI/SNF related BAF chromatin remodeling complex subunit ATPase 4; plus strand). Cytogenetic location: 19p13.2.
Variant type: single nucleotide variant.
Coding change: c.4927G>A on transcript NM_003072.5 (MANE Select); coding-DNA position 4927, G replaced by A.
Protein change: p.Gly1643Ser; replaces glycine 1643 with serine.
Molecular consequence: missense variant. On other transcripts: non-coding transcript variant (1).
Genome position (GRCh38, 1-based): chr19:11,061,799, G>A. VCF-style: chr19-11061799-G-A. GRCh37 (hg19) VCF-style: chr19-11172475-G-A.
Other names: c.4927G>A, p.Gly1643Ser (NM_001128844.3); c.4837G>A, p.Gly1613Ser (NM_001128845.2); c.4834G>A, p.Gly1612Ser (NM_001128846.2); c.4828G>A, p.Gly1610Ser (NM_001128847.4, NM_001374457.1); c.4825G>A, p.Gly1609Ser (NM_001128848.2); c.5023G>A, p.Gly1675Ser (NM_001128849.3); short protein forms G1612S, G1609S, G1610S, G1675S, G1613S, G1643S.
Identifiers: ClinVar variation 857435 (VCV000857435.9), dbSNP rs2076917822, ClinGen allele CA404081892.

ClinVar aggregate classification (germline): Uncertain significance (1 of 4 stars; one submission).

Conditions:
Rhabdoid tumor predisposition syndrome 2 (RTPS2). Identifiers: Orphanet 231108, Orphanet 69077, MedGen C2750074, MONDO:0013224, OMIM 613325.

Submission:

Labcorp Genetics (formerly Invitae), Labcorp
Classification: Uncertain significance for Rhabdoid tumor predisposition syndrome 2. Last evaluated: 2024-05-13. Review status: criteria provided, single submitter. Criteria: Invitae Variant Classification Sherloc (09022015). Collection method: clinical testing. Allele origin: germline.
Comment: This sequence change replaces glycine, which is neutral and non-polar, with serine, which is neutral and polar, at codon 1675 of the SMARCA4 protein (p.Gly1675Ser). This variant is not present in population databases (gnomAD no frequency). This variant has not been reported in the literature in individuals affected with SMARCA4-related conditions. ClinVar contains an entry for this variant (Variation ID: 857435). Advanced modeling of protein sequence and biophysical properties (such as structural, functional, and spatial information, amino acid conservation, physicochemical variation, residue mobility, and thermodynamic stability) performed at Invitae indicates that this missense variant is expected to disrupt SMARCA4 protein function with a positive predictive value of 95%. In summary, the available evidence is currently insufficient to determine the role of this variant in disease. Therefore, it has been classified as a Variant of Uncertain Significance.